The following is an entry in ClinVar:

ClinVar aggregate classification (germline): Uncertain significance (1 of 4 stars; one submission).

gnomAD v4.1: 1 of 1,614,058 alleles (0.000062%); highest among the groups gnomAD compares: Non-Finnish European, 0.000085%; no homozygotes.

Submission:

Labcorp Genetics (formerly Invitae), Labcorp
Classification: Uncertain significance. Last evaluated: 2025-12-08. Review status: criteria provided, single submitter. Criteria: Invitae Variant Classification Sherloc (09022015). Collection method: clinical testing. Allele origin: germline.
Comment: This sequence change replaces aspartic acid, which is acidic and polar, with glutamic acid, which is acidic and polar, at codon 148 of the RORB protein (p.Asp148Glu). This variant is not present in population databases (gnomAD no frequency). This variant has not been reported in the literature in individuals affected with RORB-related conditions. ClinVar contains an entry for this variant (Variation ID: 3727309). An algorithm developed to predict the effect of missense changes on protein structure and function (PolyPhen-2) suggests that this variant is likely to be tolerated. In summary, the available evidence is currently insufficient to determine the role of this variant in disease. Therefore, it has been classified as a Variant of Uncertain Significance.

NM_006914.4(RORB):c.444C>A (p.Asp148Glu)

Gene: RORB (RAR related orphan receptor B; plus strand). Cytogenetic location: 9q21.13.
Variant type: single nucleotide variant.
Coding change: c.444C>A on transcript NM_006914.4 (MANE Select); coding-DNA position 444, C replaced by A.
Protein change: p.Asp148Glu; replaces aspartic acid 148 with glutamic acid.
Molecular consequence: missense variant.
Genome position (GRCh38, 1-based): chr9:74,642,622, C>A. VCF-style: chr9-74642622-C-A. GRCh37 (hg19) VCF-style: chr9-77257538-C-A.
Other names: c.477C>A, p.Asp159Glu (NM_001365023.1); short protein forms D148E, D159E.
Identifiers: ClinVar variation 3727309 (VCV003727309.2).